The following is an entry in ClinVar:

ClinVar aggregate classification (germline): Likely pathogenic (1 of 4 stars; one submission).

Conditions:
Autosomal recessive Alport syndrome (ATS2). Also called: COL4A3-Related Nephropathy; COL4A4 Alport Syndrome and Thin Basement Membrane Nephropathy; ALPORT SYNDROME 2, AUTOSOMAL RECESSIVE; Alport syndrome type 2. Identifiers: Orphanet 63, Orphanet 88919, MedGen C4746745, MONDO:0008762, OMIM 203780.

Submission:

Myriad Genetics, Inc.
Classification: Likely pathogenic for Autosomal recessive Alport syndrome. Last evaluated: 2022-03-06. Review status: criteria provided, single submitter. Criteria: Myriad Women's Health Autosomal Recessive and X-Linked Classification Criteria (2021). Collection method: clinical testing. Allele origin: unknown.
Comment: NM_000091.4(COL4A3):c.4710T>A(C1570*) is expected to be pathogenic in the context of COL4A3-related Alport syndrome. This variant is predicted to lead to an abnormal or absent protein product due to the creation of a premature termination codon in COL4A3, a gene where loss-of-function variants are known to be pathogenic. Please note: this variant was assessed in the context of healthy population screening.

NM_000091.5(COL4A3):c.4710T>A (p.Cys1570Ter)

Genes: MFF-DT (MFF divergent transcript; minus strand), COL4A3 (collagen type IV alpha 3 chain; plus strand). Cytogenetic location: 2q36.3.
Variant type: single nucleotide variant.
Coding change: c.4710T>A on transcript NM_000091.5 (MANE Select); coding-DNA position 4710, T replaced by A.
Protein change: p.Cys1570Ter; replaces cysteine 1570 with a stop codon.
Molecular consequence: nonsense.
Genome position (GRCh38, 1-based): chr2:227,309,273, T>A. VCF-style: chr2-227309273-T-A. GRCh37 (hg19) VCF-style: chr2-228173989-T-A.
Other names: short protein forms C1570*.
Identifiers: ClinVar variation 1725051 (VCV001725051.2), dbSNP rs2469939276, ClinGen allele CA350865689.